The following is an entry in ClinVar:

NC_000019.10:g.(?_53794029)_(53798433_?)dup

Gene: NLRP12 (NLR family pyrin domain containing 12; minus strand). Cytogenetic location: 19q13.42.
Variant type: Duplication.
Identifiers: ClinVar variation 830874 (VCV000830874.2).

ClinVar aggregate classification (germline): Uncertain significance (1 of 4 stars; one submission).

Conditions:
Familial cold autoinflammatory syndrome 2 (FCAS2). Identifiers: Orphanet 247868, MedGen C2673198, MONDO:0012724, OMIM 611762.

Submission:

Labcorp Genetics (formerly Invitae), Labcorp
Classification: Uncertain significance for Familial cold autoinflammatory syndrome 2. Last evaluated: 2019-11-06. Review status: criteria provided, single submitter. Criteria: Invitae Variant Classification Sherloc (09022015). Collection method: clinical testing. Allele origin: germline.
Comment: This variant results in a copy number gain of the genomic region encompassing exons 8-10 of the NLRP12 gene. The 5' boundary is likely confined to intron 7. The 3' end of this event is unknown as it extends beyond the assayed region for this gene and therefore may encompass additional genes. As the precise location of this event is unknown, it may be in tandem or it may be located elsewhere in the genome. This variant has not been reported in the literature in individuals with NLRP12-related conditions. In summary, the available evidence is currently insufficient to determine the role of this variant in disease. Therefore, it has been classified as a Variant of Uncertain Significance.